The following is an entry in ClinVar:

ClinVar aggregate classification (germline): Benign/Likely benign. Review status: criteria provided, multiple submitters, no conflicts (2 of 4 stars). 9 submissions from 9 submitters: Benign (5); Likely benign (1). 3 of the submissions do not count toward it. Last evaluated 2026-02-04.

Conditions:
Jeune thoracic dystrophy. Also called: Infantile thoracic dystrophy; Thoracic pelvic phalangeal dystrophy; Jeune's syndrome; Chondroectodermal dysplasia-like syndrome; Short-rib thoracic dysplasia; Jeune syndrome. Identifiers: Orphanet 474, MedGen C0265275, MONDO:0018770.
Asphyxiating thoracic dystrophy 3. Also called: SHORT-RIB THORACIC DYSPLASIA 3 WITH OR WITHOUT POLYDACTYLY; POLYDACTYLY WITH NEONATAL CHONDRODYSTROPHY, TYPE I; SHORT-RIB THORACIC DYSPLASIA 3/6 WITH POLYDACTYLY, DIGENIC; Short rib polydactyly syndrome 2B; Saldino-Noonan Syndrome. Identifiers: Orphanet 474, Orphanet 93269, Orphanet 93270, Orphanet 93271, MedGen C0036069, MONDO:0013127, OMIM 613091.

Allele frequency attached by ClinVar (database versions not stated): TOPMed 0.07544; 1000 Genomes Project 0.07628; 1000 Genomes Project 30x 0.07745; gnomAD 0.08745 and 0.08862; ESP Exome Variant Server 0.08771; ExAC 0.10481; gnomAD exomes 0.10508 and 0.11555.
gnomAD v4.1: 181,900 of 1,613,558 alleles (11%); highest among the groups gnomAD compares: Non-Finnish European, 12%; 11,024 homozygotes.

Submissions (9):

Labcorp Genetics (formerly Invitae), Labcorp
Classification: Benign for Jeune thoracic dystrophy. Last evaluated: 2026-02-04. Review status: criteria provided, single submitter. Criteria: Invitae Variant Classification Sherloc (09022015). Collection method: clinical testing. Allele origin: germline.

Blueprint Genetics
Classification: Benign. Last evaluated: 2024-11-27. Review status: criteria provided, single submitter. Criteria: ACMG Guidelines, 2015. Collection method: clinical testing. Allele origin: germline.

Mayo Clinic Laboratories, Mayo Clinic
Classification: Benign. Last evaluated: 2022-03-09. Review status: criteria provided, single submitter. Criteria: ACMG Guidelines, 2015. Collection method: clinical testing. Allele origin: germline. Observed: 15 variant alleles.

Illumina Laboratory Services, Illumina
Classification: Benign for Asphyxiating thoracic dystrophy 3. Last evaluated: 2018-01-12. Review status: criteria provided, single submitter. Criteria: ICSL Variant Classification Criteria 13 December 2019. Collection method: clinical testing. Allele origin: germline.
Comment: This variant was observed in the ICSL laboratory as part of a predisposition screen in an ostensibly healthy population. It had not been previously curated by ICSL or reported in the Human Gene Mutation Database (HGMD: prior to June 1st, 2018), and was therefore a candidate for classification through an automated scoring system. Utilizing variant allele frequency, disease prevalence and penetrance estimates, and inheritance mode, an automated score was calculated to assess if this variant is too frequent to cause the disease. Based on the score and internal cut-off values, a variant classified as benign is not then subjected to further curation. The score for this variant resulted in a classification of benign for this disease.

GeneDx
Classification: Benign. Last evaluated: 2016-03-29. Review status: criteria provided, single submitter. Criteria: GeneDx Variant Classification (06012015). Collection method: clinical testing. Allele origin: germline. Affected: yes.
Comment: This variant is considered likely benign or benign based on one or more of the following criteria: it is a conservative change, it occurs at a poorly conserved position in the protein, it is predicted to be benign by multiple in silico algorithms, and/or has population frequency not consistent with disease.

Breakthrough Genomics
Classification: Likely benign. Review status: criteria provided, single submitter. Criteria: ACMG Guidelines, 2015. Collection method: not provided. Allele origin: germline. Inheritance: Autosomal recessive inheritance. Affected: yes.

Clinical Genetics DNA and cytogenetics Diagnostics Lab, Erasmus MC, Erasmus Medical Center
Classification: Benign. Review status: no assertion criteria provided. Collection method: clinical testing. Allele origin: germline. Affected: yes. Study: VKGL Data-share Consensus. Not counted in ClinVar's aggregate classification.

Diagnostic Laboratory, Department of Genetics, University Medical Center Groningen
Classification: Benign. Review status: no assertion criteria provided. Collection method: clinical testing. Allele origin: germline. Affected: yes. Study: VKGL Data-share Consensus. Not counted in ClinVar's aggregate classification.

Joint Genome Diagnostic Labs from Nijmegen and Maastricht, Radboudumc and MUMC+
Classification: Benign. Review status: no assertion criteria provided. Collection method: clinical testing. Allele origin: germline. Affected: yes. Study: VKGL Data-share Consensus. Not counted in ClinVar's aggregate classification.

NM_001377.3(DYNC2H1):c.3862A>G (p.Thr1288Ala)

Gene: DYNC2H1 (dynein cytoplasmic 2 heavy chain 1; plus strand). Cytogenetic location: 11q22.3.
Variant type: single nucleotide variant.
Coding change: c.3862A>G on transcript NM_001377.3 (MANE Select); coding-DNA position 3862, A replaced by G.
Protein change: p.Thr1288Ala; replaces threonine 1288 with alanine.
Molecular consequence: missense variant.
Genome position (GRCh38, 1-based): chr11:103,156,505, A>G. VCF-style: chr11-103156505-A-G. GRCh37 (hg19) VCF-style: chr11-103027234-A-G.
Other names: c.3862A>G, p.Thr1288Ala (NM_001080463.2); short protein forms T1288A.
Identifiers: ClinVar variation 302031 (VCV000302031.25), dbSNP rs17301750, ClinGen allele CA6253424.